The following is an entry in ClinVar:

ClinVar aggregate classification (germline): Uncertain significance (1 of 4 stars; one submission).

Allele frequency attached by ClinVar (database versions not stated): gnomAD exomes below 0.00001.
gnomAD v4.1: 2 of 1,614,064 alleles (0.00012%); highest among the groups gnomAD compares: Non-Finnish European, 0.00017%; no homozygotes.

Submission:

Labcorp Genetics (formerly Invitae), Labcorp
Classification: Uncertain significance. Last evaluated: 2025-08-23. Review status: criteria provided, single submitter. Criteria: Invitae Variant Classification Sherloc (09022015). Collection method: clinical testing. Allele origin: germline.
Comment: This sequence change replaces tryptophan, which is neutral and slightly polar, with glycine, which is neutral and non-polar, at codon 4482 of the HMCN1 protein (p.Trp4482Gly). This variant is not present in population databases (gnomAD no frequency). This variant has not been reported in the literature in individuals affected with HMCN1-related conditions. ClinVar contains an entry for this variant (Variation ID: 1989945). An algorithm developed to predict the effect of missense changes on protein structure and function (PolyPhen-2) suggests that this variant is likely to be disruptive. In summary, the available evidence is currently insufficient to determine the role of this variant in disease. Therefore, it has been classified as a Variant of Uncertain Significance.

NM_031935.3(HMCN1):c.13444T>G (p.Trp4482Gly)

Gene: HMCN1 (hemicentin 1; plus strand). Cytogenetic location: 1q31.1.
Variant type: single nucleotide variant.
Coding change: c.13444T>G on transcript NM_031935.3 (MANE Select); coding-DNA position 13444, T replaced by G.
Protein change: p.Trp4482Gly; replaces tryptophan 4482 with glycine.
Molecular consequence: missense variant.
Genome position (GRCh38, 1-based): chr1:186,136,799, T>G. VCF-style: chr1-186136799-T-G. GRCh37 (hg19) VCF-style: chr1-186105931-T-G.
Other names: short protein forms W4482G.
Identifiers: ClinVar variation 1989945 (VCV001989945.4), dbSNP rs2528092791, ClinGen allele CA343910815.